The following is an entry in ClinVar:

ClinVar aggregate classification (germline): Uncertain significance (1 of 4 stars; one submission).

Conditions:
Alstrom syndrome (ALMS). Identifiers: Orphanet 64, MedGen C0268425, MONDO:0008763, OMIM 203800.

Submission:

Labcorp Genetics (formerly Invitae), Labcorp
Classification: Uncertain significance for Alstrom syndrome. Last evaluated: 2022-03-12. Review status: criteria provided, single submitter. Criteria: Invitae Variant Classification Sherloc (09022015). Collection method: clinical testing. Allele origin: germline.
Comment: This sequence change replaces aspartic acid, which is acidic and polar, with valine, which is neutral and non-polar, at codon 2536 of the ALMS1 protein (p.Asp2536Val). In summary, the available evidence is currently insufficient to determine the role of this variant in disease. Therefore, it has been classified as a Variant of Uncertain Significance. Algorithms developed to predict the effect of sequence changes on RNA splicing suggest that this variant may disrupt the consensus splice site. Experimental studies and prediction algorithms are not available or were not evaluated, and the functional significance of this variant is currently unknown. This variant has not been reported in the literature in individuals affected with ALMS1-related conditions. This variant is not present in population databases (gnomAD no frequency).

NM_001378454.1(ALMS1):c.7604A>T (p.Asp2535Val)

Gene: ALMS1 (ALMS1 centrosome and basal body associated protein; plus strand). Cytogenetic location: 2p13.1.
Variant type: single nucleotide variant.
Coding change: c.7604A>T on transcript NM_001378454.1 (MANE Select); coding-DNA position 7604, A replaced by T.
Protein change: p.Asp2535Val; replaces aspartic acid 2535 with valine.
Molecular consequence: missense variant.
Genome position (GRCh38, 1-based): chr2:73,455,225, A>T. VCF-style: chr2-73455225-A-T. GRCh37 (hg19) VCF-style: chr2-73682352-A-T.
Other names: c.7607A>T, p.Asp2536Val (NM_015120.4); short protein forms D2535V, D2536V.
Identifiers: ClinVar variation 2109049 (VCV002109049.4), dbSNP rs756141375, ClinGen allele CA347293064.
Genomic context (GRCh38, chr2:73,455,225, plus strand): 5'-GGAATATGAAGTTCAATTTAGCACATGATTGTGGATACTCCATTTCAGAATTAAATGAAG[A>T]TGACAGGAGGAAAGTAGAAGAGATCAAGGCAGAGTTATTTGGTCATGGAAGAACAACTGA-3'
Protein context (NP_001365383.1, residues 2525-2545): CGYSISELNE[Asp2535Val]DRRKVEEIKA